The following is an entry in ClinVar:

ClinVar aggregate classification (germline): Pathogenic (1 of 4 stars; one submission).

Submission:

GeneDx
Classification: Pathogenic. Last evaluated: 2018-02-22. Review status: criteria provided, single submitter. Criteria: GeneDx Variant Classification (06012015). Collection method: clinical testing. Allele origin: germline. Affected: yes.
Comment: The c.10998delT variant in the PKHD1 gene has not been reported previously as a pathogenic variant nor as a benign variant, to our knowledge. The c.10998delT variant causes a frameshift starting with codon Isoleucine 3666, changes this amino acid to a Methionine residue, and creates a premature Stop codon at position 7 of the new reading frame, denoted p.Ile3666MetfsX7. This variant is predicted to cause loss of normal protein function either through protein truncation or nonsense-mediated mRNA decay. The c.10998delT variant is not observed in large population cohorts (Lek et al., 2016). We interpret c.10998delT as a pathogenic variant.

NM_138694.4(PKHD1):c.10998del (p.Ile3666fs)

Gene: PKHD1 (PKHD1 ciliary IPT domain containing fibrocystin/polyductin; minus strand). Cytogenetic location: 6p12.3.
Variant type: Deletion.
Coding change: c.10998del on transcript NM_138694.4 (MANE Select); coding-DNA position 10998, one base deleted (T; older notation c.10998delT).
Protein change: p.Ile3666fs; shifts the reading frame from isoleucine 3666.
Molecular consequence: frameshift variant.
Genome position (GRCh38, 1-based): chr6:51,659,128, A deleted on the plus strand (T on the coding strand, the reverse complement: PKHD1 is on the minus strand); the first of 2 consecutive A bases (chr6:51,659,128-51,659,129); deleting either gives the same sequence. VCF-style (leftmost placement, unchanged base first): chr6-51659127-CA-C. GRCh37 (hg19) VCF-style: chr6-51523925-CA-C.
Other names: short protein forms I3666fs.
Identifiers: ClinVar variation 504428 (VCV000504428.2), dbSNP rs1554183097, ClinGen allele CA658796775.